The following is an entry in ClinVar:

NM_201548.5(CERKL):c.550C>T (p.Gln184Ter)

Gene: CERKL (CERK like autophagy regulator; minus strand). Cytogenetic location: 2q31.3.
Variant type: single nucleotide variant.
Coding change: c.550C>T on transcript NM_201548.5 (MANE Select); coding-DNA position 550, C replaced by T.
Protein change: p.Gln184Ter; replaces glutamine 184 with a stop codon.
Molecular consequence: nonsense. On other transcripts: non-coding transcript variant (1), intron variant (2).
Genome position (GRCh38, 1-based): chr2:181,573,816, G>A on the plus strand (C>T on the coding strand, the complement: CERKL is on the minus strand). VCF-style: chr2-181573816-G-A. GRCh37 (hg19) VCF-style: chr2-182438543-G-A.
Other names: c.550C>T, p.Gln184Ter (NM_001030311.3, NM_001030313.3); c.482-24108C>T (NM_001030312.3); c.482-7695C>T (NM_001160277.2); short protein forms Q184*.
Identifiers: ClinVar variation 866058 (VCV000866058.8), dbSNP rs1689011389, ClinGen allele CA349744104.

ClinVar aggregate classification (germline): Pathogenic/Likely pathogenic. Review status: criteria provided, multiple submitters, no conflicts (2 of 4 stars). 3 submissions from 3 submitters: Pathogenic (2); Likely pathogenic (1). Last evaluated 2026-04-10.

Conditions:
Retinitis pigmentosa 26 (RP26). Identifiers: Orphanet 791, MedGen C1842127, MONDO:0012024, OMIM 608380.
CERKL-related disorders.

Submissions (3):

Myriad Genetics, Inc.
Classification: Pathogenic for Retinitis pigmentosa 26. Last evaluated: 2026-04-10. Review status: criteria provided, single submitter. Criteria: Myriad Autosomal Dominant, Autosomal Recessive and X-Linked Classification Criteria (2023). Collection method: clinical testing. Allele origin: unknown.
Comment: NM_001030311.2(CERKL):c.550C>T(Q184*) is a nonsense variant classified as pathogenic in the context of retinitis pigmentosa, CERKL-related. Q184* has not been observed in cases with relevant disease. Relevant functional assessments of this variant are not available in the literature. Q184* has not been observed in referenced population frequency databases. In summary, NM_001030311.2(CERKL):c.550C>T(Q184*) is a nonsense variant in a gene where loss of function is a known mechanism of disease and is predicted to disrupt protein function. Please note: this variant was assessed in the context of healthy population screening.

Labcorp Genetics (formerly Invitae), Labcorp
Classification: Pathogenic. Last evaluated: 2025-09-08. Review status: criteria provided, single submitter. Criteria: Invitae Variant Classification Sherloc (09022015). Collection method: clinical testing. Allele origin: germline.
Comment: This sequence change creates a premature translational stop signal (p.Gln184*) in the CERKL gene. It is expected to result in an absent or disrupted protein product. Loss-of-function variants in CERKL are known to be pathogenic (PMID: 14681825, 23591405, 24043777). This variant is not present in population databases (gnomAD no frequency). This variant has not been reported in the literature in individuals affected with CERKL-related conditions. ClinVar contains an entry for this variant (Variation ID: 866058). Algorithms developed to predict the effect of sequence changes on RNA splicing suggest that this variant may disrupt the consensus splice site. For these reasons, this variant has been classified as Pathogenic.

Blueprint Genetics
Classification: Likely pathogenic for CERKL-related disorders. Last evaluated: 2018-01-15. Review status: criteria provided, single submitter. Criteria: ACMG Guidelines, 2015. Collection method: clinical testing. Allele origin: germline. Affected: yes. Observed: 1 variant allele.

Literature cited by the submitters: PubMed 14681825 (cited by Labcorp Genetics (formerly Invitae), Labcorp); PubMed 23591405 (cited by Labcorp Genetics (formerly Invitae), Labcorp); PubMed 24043777 (cited by Labcorp Genetics (formerly Invitae), Labcorp).